The following is an entry in ClinVar:

ClinVar aggregate classification (germline): Conflicting classifications of pathogenicity. Review status: criteria provided, conflicting classifications (1 of 4 stars). 3 submissions from 3 submitters: Uncertain significance (1); Likely benign (2). Last evaluated 2025-09-16.

Conditions:
Inborn genetic diseases. Identifiers: MedGen C0950123, MeSH D030342.

Allele frequency attached by ClinVar (database versions not stated): TOPMed 0.00001; ExAC 0.00002; gnomAD 0.00002; gnomAD exomes 0.00002.
gnomAD v4.1: 21 of 1,613,468 alleles (0.0013%); highest among the groups gnomAD compares: South Asian, 0.0066%; no homozygotes.

Submissions (3):

Labcorp Genetics (formerly Invitae), Labcorp
Classification: Likely benign. Last evaluated: 2025-09-16. Review status: criteria provided, single submitter. Criteria: Invitae Variant Classification Sherloc (09022015). Collection method: clinical testing. Allele origin: germline.

Women's Health and Genetics/Laboratory Corporation of America, LabCorp
Classification: Uncertain significance. Last evaluated: 2025-09-04. Review status: criteria provided, single submitter. Criteria: LabCorp Variant Classification Summary - May 2015. Collection method: clinical testing. Allele origin: germline.
Comment: Variant summary: ADGRV1 c.2111C>T (p.Pro704Leu) results in a non-conservative amino acid change in the encoded protein sequence. Algorithms developed to predict the effect of missense changes on protein structure and function are either unavailable or do not agree on the potential impact of this missense change. The variant allele was found at a frequency of 2e-05 in 248968 control chromosomes. The available data on variant occurrences in the general population are insufficient to allow any conclusion about variant significance. To our knowledge, no occurrence of c.2111C>T in individuals affected with ADGRV1-related conditions and no experimental evidence demonstrating its impact on protein function have been reported. ClinVar contains an entry for this variant (Variation ID: 1517798). Based on the evidence outlined above, the variant was classified as uncertain significance.

Ambry Genetics
Classification: Likely benign for Inborn genetic diseases. Last evaluated: 2022-08-11. Review status: criteria provided, single submitter. Criteria: Ambry Variant Classification Scheme 2023. Collection method: clinical testing. Allele origin: germline.

NM_032119.4(ADGRV1):c.2111C>T (p.Pro704Leu)

Gene: ADGRV1 (adhesion G protein-coupled receptor V1; plus strand). Cytogenetic location: 5q14.3.
Variant type: single nucleotide variant.
Coding change: c.2111C>T on transcript NM_032119.4 (MANE Select); coding-DNA position 2111, C replaced by T.
Protein change: p.Pro704Leu; replaces proline 704 with leucine.
Molecular consequence: missense variant. On other transcripts: non-coding transcript variant (1).
Genome position (GRCh38, 1-based): chr5:90,637,819, C>T. VCF-style: chr5-90637819-C-T. GRCh37 (hg19) VCF-style: chr5-89933636-C-T.
Other names: c.2111C>T (NM_032119.3); short protein forms P704L.
Identifiers: ClinVar variation 1517798 (VCV001517798.8), dbSNP rs772798706, ClinGen allele CA3338833.